The following is an entry in ClinVar:

ClinVar aggregate classification (germline): not provided (0 of 4 stars; one submission).

Allele frequency attached by ClinVar (database versions not stated): gnomAD 0.00129 and 0.00082; 1000 Genomes Project 30x 0.00812; TOPMed 0.00105; 1000 Genomes Project 0.00938.
gnomAD v4.1: 195 of 152,204 alleles (0.13%); highest among the groups gnomAD compares: East Asian, 3.4%; 1 homozygote.

Submission:

Human Evolutionary Genetics, Institut Pasteur
No classification provided. Review status: no classification provided. Collection method: not provided. Allele origin: germline.
ClinVar note: Converted during submission from untested to not provided.

NM_001433705.1(NLRP5):c.469+266C>A

Gene: NLRP5 (NLR family pyrin domain containing 5; plus strand). Cytogenetic location: 19q13.43.
Variant type: single nucleotide variant.
Coding change: c.469+266C>A on transcript NM_001433705.1 (MANE Select); 266 bases into the intron after coding-DNA position 469, C replaced by A.
Molecular consequence: intron variant.
Genome position (GRCh38, 1-based): chr19:56,019,664, C>A. VCF-style: chr19-56019664-C-A. GRCh37 (hg19) VCF-style: chr19-56531030-C-A.
Other names: NM_153447.4:c.622+266C>A.
Identifiers: ClinVar variation 103298 (VCV000103298.2), dbSNP rs199475768, ClinGen allele CA230383.
Genomic context (GRCh38, chr19:56,019,664, plus strand): 5'-ATACTATGAAGACAAAATTCTAAAGAACCCATAATTCTAGGGGACTCGAATCAATCACAA[C>A]TTTGTTTGATGGATGTTAAACATATGGCCAAGAGTAGTCAAATGCTGTCTTCAAACTTAA-3'